The following is an entry in ClinVar:

ClinVar aggregate classification (germline): Conflicting classifications of pathogenicity. Review status: criteria provided, conflicting classifications (1 of 4 stars). 3 submissions from 3 submitters: Uncertain significance (1); Likely benign (2). Last evaluated 2025-05-20.

Conditions:
Hypercholesterolemia, autosomal dominant, 3 (FHCL3). Also called: PCSK9-Related Familial Hypercholesterolemia, Autosomal Dominant; Familial Hypercholesterolemia, Autosomal Dominant, 3; Familial hypercholesterolemia 3. Identifiers: MedGen C1863551, MONDO:0011369, OMIM 603776.
Familial hypercholesterolemia. Also called: Familial hypercholesterolaemia; Familial hypercholesterolemias. Identifiers: MedGen C0020445, MONDO:0005439.

Allele frequency attached by ClinVar (database versions not stated): ExAC 0.00001; gnomAD exomes 0.00001.
gnomAD v4.1: 14 of 1,613,784 alleles (0.00087%); highest among the groups gnomAD compares: African/African-American, 0.0027%; no homozygotes.

Submissions (3):

Color Diagnostics, LLC DBA Color Health
Classification: Likely benign for Familial hypercholesterolemia. Last evaluated: 2025-05-20. Review status: criteria provided, single submitter. Criteria: ACMG Guidelines, 2015. Collection method: clinical testing. Allele origin: germline.

Labcorp Genetics (formerly Invitae), Labcorp
Classification: Likely benign for Hypercholesterolemia, autosomal dominant, 3. Last evaluated: 2024-08-16. Review status: criteria provided, single submitter. Criteria: Invitae Variant Classification Sherloc (09022015). Collection method: clinical testing. Allele origin: germline.

All of Us Research Program, National Institutes of Health
Classification: Uncertain significance for Hypercholesterolemia, autosomal dominant, 3. Last evaluated: 2023-03-23. Review status: criteria provided, single submitter. Criteria: ACMG Guidelines, 2015. Collection method: clinical testing. Allele origin: germline. Inheritance: Autosomal dominant inheritance. Observed: 1 variant allele, 1 heterozygote.
Comment: This variant causes an A to T nucleotide substitution at the -10 position of intron 1 of the PCSK9 gene. To our knowledge, functional studies have not been reported for this variant. This variant has not been reported in individuals affected with PCSK9-related disorders in the literature. This variant has been identified in 2/281220 chromosomes in the general population by the Genome Aggregation Database (gnomAD). The available evidence is insufficient to determine the role of this variant in disease conclusively. Therefore, this variant is classified as a Variant of Uncertain Significance.

This study involves interpretation of variants in research participants for the purpose of population health screening. Participant phenotype was not available at the time of variant classification. Additional details can be found in publication PMID: 35346344, PMCID: PMC8962531

NM_174936.4(PCSK9):c.208-10A>T

Gene: PCSK9 (proprotein convertase subtilisin/kexin type 9; plus strand). Cytogenetic location: 1p32.3.
Variant type: single nucleotide variant.
Coding change: c.208-10A>T on transcript NM_174936.4 (MANE Select); 10 bases into the intron before coding-DNA position 208, A replaced by T.
Molecular consequence: intron variant.
Genome position (GRCh38, 1-based): chr1:55,043,833, A>T. VCF-style: chr1-55043833-A-T. GRCh37 (hg19) VCF-style: chr1-55509506-A-T.
Other names: c.-168-10A>T (NM_001407246.1); c.331-10A>T (NM_001407240.1); c.208-10A>T (NM_001407242.1, NM_001407241.1, NM_001407244.1 and 2 more transcripts); c.208-2690A>T (NM_001407245.1).
Identifiers: ClinVar variation 3069904 (VCV003069904.4), dbSNP rs761104090, ClinGen allele CA040673.